The following is an entry in ClinVar:

NM_015046.7(SETX):c.8C>T (p.Thr3Ile)

Gene: SETX (senataxin; minus strand). Cytogenetic location: 9q34.13.
Variant type: single nucleotide variant.
Coding change: c.8C>T on transcript NM_015046.7 (MANE Select); coding-DNA position 8, C replaced by T.
Protein change: p.Thr3Ile; replaces threonine 3 with isoleucine.
Molecular consequence: missense variant.
Genome position (GRCh38, 1-based): chr9:132,349,421, G>A on the plus strand (C>T on the coding strand, the complement: SETX is on the minus strand). VCF-style: chr9-132349421-G-A. GRCh37 (hg19) VCF-style: chr9-135224808-G-A.
Other names: c.8C>T, p.Thr3Ile (NM_001351527.2, NM_001351528.2); short protein forms T3I.
Identifiers: ClinVar variation 2290 (VCV000002290.23), dbSNP rs28941475, ClinGen allele CA252185.

ClinVar aggregate classification (germline): Likely pathogenic. Review status: criteria provided, multiple submitters, no conflicts (2 of 4 stars). 6 submissions from 6 submitters: Likely pathogenic (2). 4 of the submissions do not count toward it. Last evaluated 2024-06-01.

Conditions:
Distal spinal muscular atrophy. Also called: Distal hereditary motor neuropathy; Distal hereditary motor neuronopathy. Identifiers: Orphanet 53739, MedGen C0393541, MONDO:0018894.
Amyotrophic lateral sclerosis type 4 (ALS4). Also called: NEURONOPATHY, DISTAL HEREDITARY MOTOR, WITH PYRAMIDAL FEATURES; AMYOTROPHIC LATERAL SCLEROSIS 4, JUVENILE. Identifiers: Orphanet 357043, MedGen C1865409, MONDO:0011223, OMIM 602433.

Submissions (6):

CeGaT Center for Human Genetics Tuebingen
Classification: Likely pathogenic. Last evaluated: 2024-06-01. Review status: criteria provided, single submitter. Criteria: CeGaT Center For Human Genetics Tuebingen Variant Classification Criteria Version 2. Collection method: clinical testing. Allele origin: germline. Affected: yes. Observed: 1 variant allele.
Comment: SETX: PP1:Strong, PM2, PS4:Moderate

GeneDx
Classification: Likely pathogenic. Last evaluated: 2016-08-02. Review status: criteria provided, single submitter. Criteria: GeneDx Variant Classification (06012015). Collection method: clinical testing. Allele origin: germline. Affected: yes.
Comment: The T3I variant in the SETX gene has been reported previously in multiple families in association with hereditary motor neuropathies (Chen et al., 2004; Arning et al., 2013; Drew et al., 2015). The T3I variant was not observed in approximately 6500 individuals of European and African American ancestry in the NHLBI Exome Sequencing Project, indicating it is not a common benign variant in these populations. The T3I variant is a non-conservative amino acid substitution, which is likely to impact secondary protein structure as these residues differ in polarity, charge, size and/or other properties. This substitution occurs at a position that is conserved across species. In silico analysis is inconsistent in its predictions as to whether or not the variant is damaging to the protein structure/function. The T3I variant is a strong candidate for a pathogenic variant.

Inherited Neuropathy Consortium Ii, University Of Miami
Classification: Uncertain significance for Amyotrophic lateral sclerosis type 4. Last evaluated: 2016-01-06. Review status: no assertion criteria provided. Collection method: literature only. Allele origin: germline. Affected: yes. Not counted in ClinVar's aggregate classification.

OMIM
Classification: Pathogenic for AMYOTROPHIC LATERAL SCLEROSIS 4, JUVENILE. Last evaluated: 2004-06-01. Review status: no assertion criteria provided. Collection method: literature only. Allele origin: germline. Not counted in ClinVar's aggregate classification.

Inherited Neuropathy Consortium
Classification: Uncertain significance for Distal spinal muscular atrophy. Review status: no assertion criteria provided. Collection method: literature only. Allele origin: germline. Affected: yes. Not counted in ClinVar's aggregate classification.

Northcott Neuroscience Laboratory, ANZAC Research Institute
Classification: Pathogenic for Amyotrophic lateral sclerosis type 4. Review status: no assertion criteria provided. Collection method: not provided. Allele origin: germline. Not counted in ClinVar's aggregate classification.
Comment: Family I
ClinVar note: Converted during submission from pathogenic to Pathogenic.

Literature cited by the submitters: PubMed 21494555 (cited by Inherited Neuropathy Consortium Ii, University Of Miami); PubMed 15106121 (cited by OMIM and Inherited Neuropathy Consortium).